The following is an entry in ClinVar:

ClinVar aggregate classification (germline): Uncertain significance. Review status: criteria provided, multiple submitters, no conflicts (2 of 4 stars). 2 submissions from 2 submitters: Uncertain significance (2). Last evaluated 2022-05-29.

Conditions:
Immunodeficiency 104. Also called: SCID, AUTOSOMAL RECESSIVE, T CELL-NEGATIVE, B CELL-POSITIVE, NK CELL-POSITIVE; Severe Combined Immune Deficiency, Autosomal Recessive, TCell -Negative, B Cell-Positive, NK Cell-Positive, IL7R-Related; Severe combined immunodeficiency, autosomal recessive, T cell-negative, B cell-positive, NK cell-positive; IMMUNODEFICIENCY 104, SEVERE COMBINED. Identifiers: MedGen C5676890, MONDO:0012163, OMIM 608971.

Submissions (2):

Labcorp Genetics (formerly Invitae), Labcorp
Classification: Uncertain significance for Immunodeficiency 104. Last evaluated: 2022-05-29. Review status: criteria provided, single submitter. Criteria: Invitae Variant Classification Sherloc (09022015). Collection method: clinical testing. Allele origin: germline.
Comment: This sequence change replaces methionine, which is neutral and non-polar, with lysine, which is basic and polar, at codon 164 of the IL7R protein (p.Met164Lys). This variant is not present in population databases (gnomAD no frequency). This variant has not been reported in the literature in individuals affected with IL7R-related conditions. ClinVar contains an entry for this variant (Variation ID: 353265). Advanced modeling of protein sequence and biophysical properties (such as structural, functional, and spatial information, amino acid conservation, physicochemical variation, residue mobility, and thermodynamic stability) performed at Invitae indicates that this missense variant is not expected to disrupt IL7R protein function. In summary, the available evidence is currently insufficient to determine the role of this variant in disease. Therefore, it has been classified as a Variant of Uncertain Significance.

Illumina Laboratory Services, Illumina
Classification: Uncertain significance for Immunodeficiency 104. Last evaluated: 2018-01-12. Review status: criteria provided, single submitter. Criteria: ICSL Variant Classification Criteria 13 December 2019. Collection method: clinical testing. Allele origin: germline.

NM_002185.5(IL7R):c.491T>A (p.Met164Lys)

Gene: IL7R (interleukin 7 receptor; plus strand). Cytogenetic location: 5p13.2.
Variant type: single nucleotide variant.
Coding change: c.491T>A on transcript NM_002185.5 (MANE Select); coding-DNA position 491, T replaced by A.
Protein change: p.Met164Lys; replaces methionine 164 with lysine.
Molecular consequence: missense variant. On other transcripts: non-coding transcript variant (1).
Genome position (GRCh38, 1-based): chr5:35,871,167, T>A. VCF-style: chr5-35871167-T-A. GRCh37 (hg19) VCF-style: chr5-35871269-T-A.
Other names: short protein forms M164K.
Identifiers: ClinVar variation 353265 (VCV000353265.9), dbSNP rs771957502, ClinGen allele CA10621626.